The following is an entry in ClinVar:

NM_000465.4(BARD1):c.1678-1G>T

Gene: BARD1 (BRCA1 associated RING domain 1; minus strand). Cytogenetic location: 2q35.
Variant type: single nucleotide variant.
Coding change: c.1678-1G>T on transcript NM_000465.4 (MANE Select); the canonical splice acceptor site of the intron before coding-DNA position 1678, G replaced by T.
Molecular consequence: splice acceptor variant. On other transcripts: intron variant (1).
Genome position (GRCh38, 1-based): chr2:214,745,855, C>A on the plus strand (G>T on the coding strand, the complement: BARD1 is on the minus strand). VCF-style: chr2-214745855-C-A. GRCh37 (hg19) VCF-style: chr2-215610579-C-A.
Other names: c.1678-1G>T (NM_000465.2); c.268-1G>T (NM_001282548.2); c.1621-1G>T (NM_001282543.2); c.325-1G>T (NM_001282545.2); c.365-15347G>T (NM_001282549.2).
Identifiers: ClinVar variation 1492763 (VCV001492763.11), dbSNP rs767208318, ClinGen allele CA2090186.

ClinVar aggregate classification (germline): Pathogenic/Likely pathogenic. Review status: criteria provided, multiple submitters, no conflicts (2 of 4 stars). 4 submissions from 4 submitters: Pathogenic (1); Likely pathogenic (3). Last evaluated 2025-06-01.

Conditions:
Hereditary cancer-predisposing syndrome. Also called: Tumor predisposition; Hereditary neoplastic syndrome; Neoplastic Syndromes, Hereditary; Hereditary Cancer Syndrome. Identifiers: Orphanet 140162, MedGen C0027672, MeSH D009386, MONDO:0015356.
Familial cancer of breast. Also called: BREAST CANCER, FAMILIAL; Hereditary breast cancer; hereditary breast carcinoma. Identifiers: Orphanet 227535, MedGen C0346153, MONDO:0016419, OMIM 114480. Disease mechanism: loss of function.

Allele frequency attached by ClinVar (database versions not stated): gnomAD exomes below 0.00001 and 0.00001; TOPMed below 0.00001; ExAC 0.00001.
gnomAD v4.1: 1 of 1,613,966 alleles (0.000062%); highest among the groups gnomAD compares: East Asian, 0.0022%; no homozygotes.

Submissions (4):

Molecular Diagnostics Laboratory, Catalan Institute of Oncology
Classification: Likely pathogenic for Hereditary cancer-predisposing syndrome. Last evaluated: 2025-06-01. Review status: criteria provided, single submitter. Criteria: ACMG Guidelines, 2015. Collection method: clinical testing. Allele origin: germline.
Comment: PVS1 c.1678-1G>T, located in a canonic splicing site of the BARD1 is predicted to alter splicing, probably causing the skipping of exon 8. This alteration is expected to result in loss of function by premature protein truncation and nonsense-mediated mRNA decay (PVS1). This variant is found in 2/236742 alleles at a frequency of 0.0008% in the gnomAD v2.1.1 database, non-cancer dataset. To our knowledge, neither relevant clinical data nor well-stablished functional studies have been reported for this variant. It has been reported in ClinVar (1x P, 2x LP). Based on the currently available information, c.1678-1G>T is classified as a likely pathogenic variant according to ACMG guidelines.

Labcorp Genetics (formerly Invitae), Labcorp
Classification: Pathogenic for Familial cancer of breast. Last evaluated: 2024-12-12. Review status: criteria provided, single submitter. Criteria: Invitae Variant Classification Sherloc (09022015). Collection method: clinical testing. Allele origin: germline.
Comment: This sequence change affects an acceptor splice site in intron 7 of the BARD1 gene. RNA analysis indicates that disruption of this splice site induces altered splicing and may result in an absent or altered protein product. This variant is present in population databases (rs767208318, gnomAD 0.006%). Disruption of this splice site has been observed in individual(s) with non-small cell lung cancer (PMID: 36113475). ClinVar contains an entry for this variant (Variation ID: 1492763). Studies have shown that disruption of this splice site results in skipping of exon 8, and produces a non-functional protein and/or introduces a premature termination codon (internal data). For these reasons, this variant has been classified as Pathogenic.

Ambry Genetics
Classification: Likely pathogenic for Hereditary cancer-predisposing syndrome. Last evaluated: 2024-07-29. Review status: criteria provided, single submitter. Criteria: Ambry Variant Classification Scheme 2023. Collection method: clinical testing. Allele origin: germline.
Comment: The c.1678-1G>T intronic variant results from a G to T substitution one nucleotide upstream from coding exon 8 of the BARD1 gene. This nucleotide position is highly conserved in available vertebrate species. In silico splice site analysis predicts that this alteration will weaken the native splice acceptor site. Alterations that disrupt the canonical splice site are expected to cause aberrant splicing, resulting in an abnormal protein or a transcript that is subject to nonsense-mediated mRNA decay. As such, this alteration is classified as likely pathogenic.

Myriad Genetics, Inc.
Classification: Likely pathogenic for Familial cancer of breast. Last evaluated: 2023-05-23. Review status: criteria provided, single submitter. Criteria: Myriad Autosomal Dominant, Autosomal Recessive and X-Linked Classification Criteria (2023). Collection method: clinical testing. Allele origin: unknown.
Comment: This variant is considered likely pathogenic. This variant occurs within a consensus splice junction and is predicted to result in abnormal mRNA splicing of either an out-of-frame exon or an in-frame exon necessary for protein stability and/or normal function.

Literature cited by the submitters: PubMed 36113475 (cited by Labcorp Genetics (formerly Invitae), Labcorp).